The following is an entry in ClinVar:

NM_003072.5(SMARCA4):c.3034C>T (p.Gln1012Ter)

Gene: SMARCA4 (SWI/SNF related BAF chromatin remodeling complex subunit ATPase 4; plus strand). Cytogenetic location: 19p13.2.
Variant type: single nucleotide variant.
Coding change: c.3034C>T on transcript NM_003072.5 (MANE Select); coding-DNA position 3034, C replaced by T.
Protein change: p.Gln1012Ter; replaces glutamine 1012 with a stop codon.
Molecular consequence: nonsense. On other transcripts: non-coding transcript variant (1).
Genome position (GRCh38, 1-based): chr19:11,024,391, C>T. VCF-style: chr19-11024391-C-T. GRCh37 (hg19) VCF-style: chr19-11135067-C-T.
Other names: c.3034C>T, p.Gln1012Ter (NM_001128844.3, NM_001128845.2, NM_001128846.2 and 6 more transcripts); short protein forms Q1012*.
Identifiers: ClinVar variation 2649310 (VCV002649310.24), dbSNP rs2146474333, ClinGen allele CA404059010.

ClinVar aggregate classification (germline): Pathogenic (1 of 4 stars; one submission).

Submission:

CeGaT Center for Human Genetics Tuebingen
Classification: Pathogenic. Last evaluated: 2023-06-01. Review status: criteria provided, single submitter. Criteria: CeGaT Center For Human Genetics Tuebingen Variant Classification Criteria Version 2. Collection method: clinical testing. Allele origin: germline. Affected: yes. Observed: 1 variant allele.
Comment: SMARCA4: PVS1, PM2